The following is an entry in ClinVar:

ClinVar aggregate classification (germline): Uncertain significance. Review status: criteria provided, multiple submitters, no conflicts (2 of 4 stars). 7 submissions from 7 submitters: Uncertain significance (7). Last evaluated 2025-12-09.

Conditions:
Myopathy, distal, 6, adult-onset, autosomal dominant. Identifiers: MedGen C5203349, MONDO:0032853, OMIM 618655.
Dilated cardiomyopathy 1AA (CMD1AA). Also called: CARDIOMYOPATHY, DILATED, 1AA, WITH OR WITHOUT LEFT VENTRICULAR NONCOMPACTION; CARDIOMYOPATHY, FAMILIAL HYPERTROPHIC, 23, WITH OR WITHOUT LEFT VENTRICULAR NONCOMPACTION; Cardiomyopathy, dilated, 1AA, with or without LVNC. Identifiers: Orphanet 154, MedGen C2677338, MONDO:0012808, OMIM 612158.
Myopathy, congenital, with structured cores and z-line abnormalities. Also called: MULTIPLE STRUCTURED CORE DISEASE; CONGENITAL MYOPATHY 8. Identifiers: MedGen C5231445, MONDO:0032852, OMIM 618654.
Cardiovascular phenotype. Identifiers: MedGen CN230736.
Primary familial hypertrophic cardiomyopathy (HCM). Identifiers: Orphanet 99739, MedGen C0949658, MeSH D024741, MONDO:0024573. Inheritance: Various modes of inheritance.
Cardiomyopathy (CMYO). Also called: Cardiomyopathies. Identifiers: Orphanet 167848, MedGen C0878544, MONDO:0004994, HP:0001638. Inheritance: Various modes of inheritance.

gnomAD v4.1: 47 of 1,614,078 alleles (0.0029%); highest among the groups gnomAD compares: East Asian, 0.0045%; no homozygotes.

Submissions (7):

Labcorp Genetics (formerly Invitae), Labcorp
Classification: Uncertain significance for Primary familial hypertrophic cardiomyopathy; Dilated cardiomyopathy 1AA. Last evaluated: 2025-12-09. Review status: criteria provided, single submitter. Criteria: Invitae Variant Classification Sherloc (09022015). Collection method: clinical testing. Allele origin: germline.
Comment: This sequence change replaces arginine, which is basic and polar, with cysteine, which is neutral and slightly polar, at codon 721 of the ACTN2 protein (p.Arg721Cys). This variant is present in population databases (rs149433837, gnomAD 0.01%). This missense change has been observed in individual(s) with ACTN2-related conditions (PMID: 33057194). ClinVar contains an entry for this variant (Variation ID: 201646). Invitae Evidence Modeling of protein sequence and biophysical properties (such as structural, functional, and spatial information, amino acid conservation, physicochemical variation, residue mobility, and thermodynamic stability) indicates that this missense variant is expected to disrupt ACTN2 protein function with a positive predictive value of 80%. In summary, the available evidence is currently insufficient to determine the role of this variant in disease. Therefore, it has been classified as a Variant of Uncertain Significance.

Mayo Clinic Laboratories, Mayo Clinic
Classification: Uncertain significance. Last evaluated: 2025-09-25. Review status: criteria provided, single submitter. Criteria: ACMG Guidelines, 2015. Collection method: clinical testing. Allele origin: germline. Observed: 1 variant allele.

Ambry Genetics
Classification: Uncertain significance for Cardiovascular phenotype. Last evaluated: 2025-03-04. Review status: criteria provided, single submitter. Criteria: Ambry Variant Classification Scheme 2023. Collection method: clinical testing. Allele origin: germline.
Comment: The p.R721C variant (also known as c.2161C>T), located in coding exon 18 of the ACTN2 gene, results from a C to T substitution at nucleotide position 2161. The arginine at codon 721 is replaced by cysteine, an amino acid with highly dissimilar properties. This alteration has been reported in a hypertrophic cardiomyopathy (HCM) cohort (Alfares AA et al. Genet Med, 2015 Nov;17:880-8). This amino acid position is highly conserved in available vertebrate species. In addition, this alteration is predicted to be deleterious by in silico analysis. Since supporting evidence is limited at this time, the clinical significance of this alteration remains unclear.

Fulgent Genetics
Classification: Uncertain significance for Dilated cardiomyopathy 1AA; Myopathy, congenital, with structured cores and z-line abnormalities; Myopathy, distal, 6, adult-onset, autosomal dominant. Last evaluated: 2021-09-10. Review status: criteria provided, single submitter. Criteria: ACMG Guidelines, 2015. Collection method: clinical testing. Allele origin: unknown.

Blueprint Genetics
Classification: Uncertain significance. Last evaluated: 2020-04-15. Review status: criteria provided, single submitter. Criteria: ACMG Guidelines, 2015. Collection method: clinical testing. Allele origin: germline.

CHEO Genetics Diagnostic Laboratory, Children's Hospital of Eastern Ontario
Classification: Uncertain significance for Cardiomyopathy. Last evaluated: 2018-06-04. Review status: criteria provided, single submitter. Criteria: ACMG Guidelines, 2015. Collection method: clinical testing. Allele origin: germline.

GeneDx
Classification: Uncertain significance. Last evaluated: 2014-06-12. Review status: criteria provided, single submitter. Criteria: GeneDx Variant Classification (06012015). Collection method: clinical testing. Allele origin: germline. Affected: yes.
Comment: A variant of unknown significance has been identified in the ACTN2 gene. The R721C variant has not been published as a mutation, nor has it been reported as a benign polymorphism to our knowledge. The R721C variant was not observed in approximately 6500 individuals of European and African American ancestry in the NHLBI Exome Sequencing Project, indicating it is not a common benign variant in these populations. The R721C variant is a non-conservative amino acid substitution, which is likely to impact secondary protein structure as these residues differ in polarity, charge, size and/or other properties. This substitution occurs at a position that is conserved across species. In silico analysis predicts this variant is probably damaging to the protein structure/function. Mutations in nearby residues have not been reported in association with cardiomyopathy, indicating this region of the protein may tolerate change. Therefore, based on the currently available information, it is unclear whether this variant is a pathogenic mutation or a rare benign variant. The variant is found in CARDIOMYOPATHY panel(s).

Literature cited by the submitters: PubMed 33057194 (cited by Labcorp Genetics (formerly Invitae), Labcorp and Mayo Clinic Laboratories, Mayo Clinic); PubMed 35975100 (cited by Mayo Clinic Laboratories, Mayo Clinic); PubMed 35982159 (cited by Mayo Clinic Laboratories, Mayo Clinic); PubMed 25611685 (cited by Ambry Genetics).

NM_001103.4(ACTN2):c.2161C>T (p.Arg721Cys)

Gene: ACTN2 (actinin alpha 2; plus strand). Cytogenetic location: 1q43.
Variant type: single nucleotide variant.
Coding change: c.2161C>T on transcript NM_001103.4 (MANE Select); coding-DNA position 2161, C replaced by T.
Protein change: p.Arg721Cys; replaces arginine 721 with cysteine.
Molecular consequence: missense variant.
Genome position (GRCh38, 1-based): chr1:236,757,492, C>T. VCF-style: chr1-236757492-C-T. GRCh37 (hg19) VCF-style: chr1-236920792-C-T.
Other names: p.R721C:CGT>TGT; p.Arg721Cys; c.2161C>T, p.Arg721Cys (NM_001278343.2); c.1537C>T, p.Arg513Cys (NM_001278344.2); short protein forms R721C, R513C.
Identifiers: ClinVar variation 201646 (VCV000201646.19), dbSNP rs149433837, ClinGen allele CA335041.